The following is an entry in ClinVar:

NM_003072.5(SMARCA4):c.3487C>T (p.Leu1163=)

Gene: SMARCA4 (SWI/SNF related BAF chromatin remodeling complex subunit ATPase 4; plus strand). Cytogenetic location: 19p13.2.
Variant type: single nucleotide variant.
Coding change: c.3487C>T on transcript NM_003072.5 (MANE Select); coding-DNA position 3487, C replaced by T.
Protein change: p.Leu1163=; no amino-acid change (leucine 1163 retained).
Molecular consequence: synonymous variant. On other transcripts: non-coding transcript variant (1).
Genome position (GRCh38, 1-based): chr19:11,030,834, C>T. VCF-style: chr19-11030834-C-T. GRCh37 (hg19) VCF-style: chr19-11141510-C-T.
Other names: c.3487C>T, p.Leu1163= (NM_001128844.3, NM_001128845.2, NM_001128846.2 and 5 more transcripts).
Identifiers: ClinVar variation 415147 (VCV000415147.17), dbSNP rs1060504462, ClinGen allele CA16615940.
Genomic context (GRCh38, chr19:11,030,834, plus strand): 5'-AACGAGCCCGGCTCTGAGTACTTCATCTTCCTGCTCAGCACCCGGGCTGGGGGGCTCGGC[C>T]TGAACCTCCAGTCGGCAGACACTGTGATCATTTTTGACAGCGACTGGAATCCTCACCAGG-3'
Protein context (NP_003063.2, residues 1153-1173): LLSTRAGGLG[Leu1163=]NLQSADTVII

ClinVar aggregate classification (germline): Benign/Likely benign. Review status: criteria provided, multiple submitters, no conflicts (2 of 4 stars). 3 submissions from 3 submitters: Benign (1); Likely benign (2). Last evaluated 2026-07-14.

Conditions:
Hereditary cancer-predisposing syndrome. Also called: Hereditary Cancer Syndrome; Hereditary neoplastic syndrome; Neoplastic Syndromes, Hereditary; Tumor predisposition. Identifiers: Orphanet 140162, MedGen C0027672, MeSH D009386, MONDO:0015356.
Rhabdoid tumor predisposition syndrome 2 (RTPS2). Identifiers: Orphanet 231108, Orphanet 69077, MedGen C2750074, MONDO:0013224, OMIM 613325.

Allele frequency attached by ClinVar (database versions not stated): gnomAD exomes below 0.00001.

Submissions (3):

Myriad Genetics, Inc.
Classification: Benign for Rhabdoid tumor predisposition syndrome 2. Last evaluated: 2026-07-14. Review status: criteria provided, single submitter. Criteria: Myriad Autosomal Dominant, Autosomal Recessive and X-Linked Classification Criteria (2023). Collection method: clinical testing. Allele origin: unknown.
Comment: This variant is considered benign. This variant is a silent/synonymous amino acid change and it is not expected to impact splicing.

Labcorp Genetics (formerly Invitae), Labcorp
Classification: Likely benign for Rhabdoid tumor predisposition syndrome 2. Last evaluated: 2025-12-20. Review status: criteria provided, single submitter. Criteria: Invitae Variant Classification Sherloc (09022015). Collection method: clinical testing. Allele origin: germline.

Ambry Genetics
Classification: Likely benign for Hereditary cancer-predisposing syndrome. Last evaluated: 2016-01-07. Review status: criteria provided, single submitter. Criteria: Ambry Variant Classification Scheme 2023. Collection method: clinical testing. Allele origin: germline.